The following is an entry in ClinVar:

NM_001243925.2(MAPKAPK3):c.996+1G>A

Gene: MAPKAPK3 (MAPK activated protein kinase 3; plus strand). Cytogenetic location: 3p21.2.
Variant type: single nucleotide variant.
Coding change: c.996+1G>A on transcript NM_001243925.2 (MANE Select); the canonical splice donor site of the intron after coding-DNA position 996, G replaced by A.
Molecular consequence: splice donor variant.
Genome position (GRCh38, 1-based): chr3:50,647,204, G>A. VCF-style: chr3-50647204-G-A. GRCh37 (hg19) VCF-style: chr3-50684635-G-A.
Other names: c.996+1G>A (NM_001243926.2, NM_004635.5).
Identifiers: ClinVar variation 1931104 (VCV001931104.5), dbSNP rs1427145873, ClinGen allele CA352937894.

ClinVar aggregate classification (germline): Uncertain significance (1 of 4 stars; one submission).

Allele frequency attached by ClinVar (database versions not stated): TOPMed below 0.00001; gnomAD exomes 0.00001.
gnomAD v4.1: 3 of 1,583,386 alleles (0.00019%); highest among the groups gnomAD compares: Non-Finnish European, 0.00026%; no homozygotes.

Submission:

Labcorp Genetics (formerly Invitae), Labcorp
Classification: Uncertain significance. Last evaluated: 2022-10-05. Review status: criteria provided, single submitter. Criteria: Invitae Variant Classification Sherloc (09022015). Collection method: clinical testing. Allele origin: germline.
Comment: This variant is present in population databases (no rsID available, gnomAD 0.001%). In summary, the available evidence is currently insufficient to determine the role of this variant in disease. Therefore, it has been classified as a Variant of Uncertain Significance. Variants that disrupt the consensus splice site are a relatively common cause of aberrant splicing (PMID: 17576681, 9536098). Algorithms developed to predict the effect of sequence changes on RNA splicing suggest that this variant may disrupt the consensus splice site. This variant has not been reported in the literature in individuals affected with MAPKAPK3-related conditions. This sequence change falls in intron 12 of the MAPKAPK3 gene. It does not directly change the encoded amino acid sequence of the MAPKAPK3 protein. It affects a nucleotide within the consensus splice site.

Literature cited by the submitters: PubMed 17576681; PubMed 9536098.